The following is an entry in ClinVar:

NM_003995.4(NPR2):c.1031A>G (p.Tyr344Cys)

Gene: NPR2 (natriuretic peptide receptor 2; plus strand). Cytogenetic location: 9p13.3.
Variant type: single nucleotide variant.
Coding change: c.1031A>G on transcript NM_003995.4 (MANE Select); coding-DNA position 1031, A replaced by G.
Protein change: p.Tyr344Cys; replaces tyrosine 344 with cysteine.
Molecular consequence: missense variant.
Genome position (GRCh38, 1-based): chr9:35,800,065, A>G. VCF-style: chr9-35800065-A-G. GRCh37 (hg19) VCF-style: chr9-35800062-A-G.
Other names: c.1031A>G, p.Tyr344Cys (NM_001378923.1); short protein forms Y344C.
Identifiers: ClinVar variation 4884784 (VCV004884784.1).

ClinVar aggregate classification (germline): Uncertain significance (0 of 4 stars; one submission).

Conditions:
Epilepsy, familial focal, with variable foci 2 (FFEVF2). Identifiers: MedGen C4310709, MONDO:0014924, OMIM 617116.

Submission:

Hong-Tao Li Lab, Institute of Brain Science and Brain-inspired Research, Shandong First Medical University & Shandong Academy of Medical Sciences China
Classification: Uncertain significance for Epilepsy, familial focal, with variable foci 2. Review status: no assertion criteria provided. Collection method: research. Allele origin: germline. Inheritance: Autosomal dominant inheritance. Affected: yes. Observed: 1 variant allele, 1 heterozygote.
Comment: Observed in affected individuals from a Pakistani neurodevelopmental-disorder research cohort of 263 individuals. Classification assigned using the ACMG/AMP framework.